The following is an entry in ClinVar:

ClinVar aggregate classification (germline): Pathogenic/Likely pathogenic. Review status: criteria provided, multiple submitters, no conflicts (2 of 4 stars). 4 submissions from 4 submitters: Pathogenic (2); Likely pathogenic (2). Last evaluated 2026-01-24.

Conditions:
Tay-Sachs disease (TSD). Also called: Hexosaminidase A Deficiency; HEXA Disorders; HEXA DEFICIENCY; GM2 gangliosidosis, type 1; Hexosaminidase alpha-subunit deficiency (variant B); Sphingolipidosis, Tay-Sachs. Identifiers: Orphanet 845, MedGen C0039373, MONDO:0010100, OMIM 272800.

Submissions (4):

Natera, Inc.
Classification: Likely pathogenic for Tay-Sachs disease. Last evaluated: 2026-01-24. Review status: criteria provided, single submitter. Criteria: Natera Variant Classification Schema (03/2026). Collection method: clinical testing. Allele origin: germline.
Comment: The c.340G>A variant in HEXA is a missense variant predicted to cause substitution of glutamic acid to lysine at amino acid 114. This variant is rare in the general population with a frequency below the threshold expected for the associated phenotype(s). This variant has been observed in one or more individuals affected with the associated recessive disease, as either homozygous or compound heterozygous with a second variant (PMID: 22723944). This variant has been identified in one or more affected individual with a phenotype highly consistent with the associated gene (PMID: 22723944). Computational prediction algorithms indicate this variant is likely to affect gene or protein function. Given the available evidence, this variant is classified as Likely Pathogenic.

Labcorp Genetics (formerly Invitae), Labcorp
Classification: Pathogenic for Tay-Sachs disease. Last evaluated: 2024-06-09. Review status: criteria provided, single submitter. Criteria: Invitae Variant Classification Sherloc (09022015). Collection method: clinical testing. Allele origin: germline.
Comment: This sequence change replaces glutamic acid, which is acidic and polar, with lysine, which is basic and polar, at codon 114 of the HEXA protein (p.Glu114Lys). This variant is not present in population databases (gnomAD no frequency). This missense change has been observed in individual(s) with Tay-Sachs disease (PMID: 22723944). ClinVar contains an entry for this variant (Variation ID: 218335). Advanced modeling of protein sequence and biophysical properties (such as structural, functional, and spatial information, amino acid conservation, physicochemical variation, residue mobility, and thermodynamic stability) performed at Invitae indicates that this missense variant is expected to disrupt HEXA protein function with a positive predictive value of 95%. For these reasons, this variant has been classified as Pathogenic.

Fulgent Genetics
Classification: Likely pathogenic for Tay-Sachs disease. Last evaluated: 2022-05-06. Review status: criteria provided, single submitter. Criteria: ACMG Guidelines, 2015. Collection method: clinical testing. Allele origin: unknown.

Foundation for Research in Genetics and Endocrinology, FRIGE's Institute of Human Genetics
Classification: Pathogenic for Tay-Sachs disease. Last evaluated: 2011-04-07. Review status: criteria provided, single submitter. Criteria: Submitter's publication. Collection method: research. Allele origin: germline. Inheritance: Autosomal recessive inheritance. Affected: yes. Observed: 1 variant allele, 1 homozygote.
Comment: This variant was found to be pathogenic by MutationTaster, Polyphen2 and SIFT.

Literature cited by the submitters: PubMed 22723944 (cited by Natera, Inc. and Labcorp Genetics (formerly Invitae), Labcorp).

NM_000520.6(HEXA):c.340G>A (p.Glu114Lys)

Gene: HEXA (hexosaminidase subunit alpha; minus strand). Cytogenetic location: 15q23.
Variant type: single nucleotide variant.
Coding change: c.340G>A on transcript NM_000520.6 (MANE Select); coding-DNA position 340, G replaced by A.
Protein change: p.Glu114Lys; replaces glutamic acid 114 with lysine.
Molecular consequence: missense variant. On other transcripts: non-coding transcript variant (1).
Genome position (GRCh38, 1-based): chr15:72,356,531, C>T on the plus strand (G>A on the coding strand, the complement: HEXA is on the minus strand). VCF-style: chr15-72356531-C-T. GRCh37 (hg19) VCF-style: chr15-72648872-C-T.
Other names: c.373G>A, p.Glu125Lys (NM_001318825.2); c.340G>A (NM_000520.5); short protein forms E114K, E125K.
Identifiers: ClinVar variation 218335 (VCV000218335.6), dbSNP rs748190164, ClinGen allele CA10575831.